The following is an entry in ClinVar:

NM_006206.6(PDGFRA):c.276G>A (p.Ala92=)

Gene: PDGFRA (platelet derived growth factor receptor alpha; plus strand). Cytogenetic location: 4q12.
Variant type: single nucleotide variant.
Coding change: c.276G>A on transcript NM_006206.6 (MANE Select); coding-DNA position 276, G replaced by A.
Protein change: p.Ala92=; no amino-acid change (alanine 92 retained).
Molecular consequence: synonymous variant.
Genome position (GRCh38, 1-based): chr4:54,261,321, G>A. VCF-style: chr4-54261321-G-A. GRCh37 (hg19) VCF-style: chr4-55127488-G-A.
Other names: c.276G>A, p.Ala92= (NM_001347827.2, NM_001347829.2); c.351G>A, p.Ala117= (NM_001347828.2); c.315G>A, p.Ala105= (NM_001347830.2).
Identifiers: ClinVar variation 240335 (VCV000240335.48), dbSNP rs140725151, ClinGen allele CA2922259.

ClinVar aggregate classification (germline): Conflicting classifications of pathogenicity. Review status: criteria provided, conflicting classifications (1 of 4 stars). 8 submissions from 7 submitters: Uncertain significance (1); Benign (2); Likely benign (5). Last evaluated 2026-06-16.

Conditions:
Polyps, multiple and recurrent inflammatory fibroid, gastrointestinal. Identifiers: MedGen C5193005, MONDO:0008285, OMIM 175510.
Hereditary cancer-predisposing syndrome. Also called: Tumor predisposition; Hereditary Cancer Syndrome; Neoplastic Syndromes, Hereditary; Hereditary neoplastic syndrome. Identifiers: Orphanet 140162, MedGen C0027672, MeSH D009386, MONDO:0015356.
Gastrointestinal stromal tumor. Also called: Gastrointestinal stromal tumor, somatic; Gastrointestinal stroma tumor. Identifiers: Orphanet 44890, MedGen C0238198, MeSH D046152, MONDO:0011719, OMIM 606764, HP:0100723.
Idiopathic hypereosinophilic syndrome (HES). Identifiers: Orphanet 3260, MedGen C0206141, MONDO:0011895, OMIM 607685. Disease mechanism: gain of function.

Allele frequency attached by ClinVar (database versions not stated): ESP Exome Variant Server 0.00015; ExAC 0.00016; gnomAD exomes 0.00020; TOPMed 0.00022; gnomAD 0.00028 and 0.00030; 1000 Genomes Project 0.00040; 1000 Genomes Project 30x 0.00047.
gnomAD v4.1: 811 of 1,613,984 alleles (0.05%); highest among the groups gnomAD compares: Non-Finnish European, 0.066%; no homozygotes.

Submissions (8):

Myriad Genetics, Inc.
Classification: Benign for Polyps, multiple and recurrent inflammatory fibroid, gastrointestinal. Last evaluated: 2026-06-16. Review status: criteria provided, single submitter. Criteria: Myriad Autosomal Dominant, Autosomal Recessive and X-Linked Classification Criteria (2023). Collection method: clinical testing. Allele origin: unknown.
Comment: This variant is considered benign. This variant is a silent/synonymous amino acid change and it is not expected to impact splicing.

Labcorp Genetics (formerly Invitae), Labcorp
Classification: Likely benign for Gastrointestinal stromal tumor. Last evaluated: 2026-02-03. Review status: criteria provided, single submitter. Criteria: Invitae Variant Classification Sherloc (09022015). Collection method: clinical testing. Allele origin: germline.

CeGaT Center for Human Genetics Tuebingen
Classification: Likely benign. Last evaluated: 2025-04-01. Review status: criteria provided, single submitter. Criteria: CeGaT Center For Human Genetics Tuebingen Variant Classification Criteria Version 2. Collection method: clinical testing. Allele origin: germline. Affected: yes. Observed: 3 variant alleles.
Comment: PDGFRA: BP4, BP7

Blueprint Genetics
Classification: Likely benign. Last evaluated: 2024-10-16. Review status: criteria provided, single submitter. Criteria: ACMG Guidelines, 2015. Collection method: clinical testing. Allele origin: germline.

GeneDx
Classification: Likely benign. Last evaluated: 2020-09-23. Review status: criteria provided, single submitter. Criteria: GeneDx Variant Classification Process June 2021. Collection method: clinical testing. Allele origin: germline. Affected: yes.

Ambry Genetics
Classification: Likely benign for Hereditary cancer-predisposing syndrome. Last evaluated: 2018-09-19. Review status: criteria provided, single submitter. Criteria: Ambry Variant Classification Scheme 2023. Collection method: clinical testing. Allele origin: germline.

Illumina Laboratory Services, Illumina
Classification: Benign for Idiopathic hypereosinophilic syndrome. Last evaluated: 2018-01-12. Review status: criteria provided, single submitter. Criteria: ICSL Variant Classification Criteria 13 December 2019. Collection method: clinical testing. Allele origin: germline.
Comment: This variant was observed in the ICSL laboratory as part of a predisposition screen in an ostensibly healthy population. It had not been previously curated by ICSL or reported in the Human Gene Mutation Database (HGMD: prior to June 1st, 2018), and was therefore a candidate for classification through an automated scoring system. Utilizing variant allele frequency, disease prevalence and penetrance estimates, and inheritance mode, an automated score was calculated to assess if this variant is too frequent to cause the disease. Based on the score and internal cut-off values, a variant classified as benign is not then subjected to further curation. The score for this variant resulted in a classification of benign for this disease.

Illumina Laboratory Services, Illumina
Classification: Uncertain significance for Gastrointestinal stromal tumor. Last evaluated: 2018-01-12. Review status: criteria provided, single submitter. Criteria: ICSL Variant Classification Criteria 13 December 2019. Collection method: clinical testing. Allele origin: germline.